The following is an entry in ClinVar:

ClinVar aggregate classification (germline): Uncertain significance. Review status: criteria provided, multiple submitters, no conflicts (2 of 4 stars). 2 submissions from 2 submitters: Uncertain significance (2). Last evaluated 2025-07-21.

Conditions:
Developmental and epileptic encephalopathy, 36 (DEE36). Also called: Epileptic encephalopathy, early infantile, 36; Congenital disorder of glycosylation, type Is; ALG13-CDG. Identifiers: Orphanet 324422, MedGen C4317295, MONDO:0010472, OMIM 300884.

gnomAD v4.1: 3 of 1,184,893 alleles (0.00025%); highest among the groups gnomAD compares: African/African-American, 0.0018%; no homozygotes.

Submissions (2):

Women's Health and Genetics/Laboratory Corporation of America, LabCorp
Classification: Uncertain significance. Last evaluated: 2025-07-21. Review status: criteria provided, single submitter. Criteria: LabCorp Variant Classification Summary - May 2015. Collection method: clinical testing. Allele origin: germline.
Comment: Variant summary: ALG13 c.2932+6T>C alters a non-conserved nucleotide located close to a canonical splice site and therefore could affect mRNA splicing, leading to a significantly altered protein sequence. Consensus agreement among computation tools predict no significant impact on normal splicing. However, these predictions have yet to be confirmed by functional studies. The variant allele was found at a frequency of 5.8e-06 in 173318 control chromosomes. The available data on variant occurrences in the general population are insufficient to allow any conclusion about variant significance. To our knowledge, no occurrence of c.2932+6T>C in individuals affected with Epileptic Encephalopathy, Early Infantile, 36 and no experimental evidence demonstrating its impact on protein function have been reported. No submitters have cited clinical-significance assessments for this variant to ClinVar. Based on the evidence outlined above, the variant was classified as uncertain significance.

Labcorp Genetics (formerly Invitae), Labcorp
Classification: Uncertain significance for Developmental and epileptic encephalopathy, 36. Last evaluated: 2025-06-18. Review status: criteria provided, single submitter. Criteria: Invitae Variant Classification Sherloc (09022015). Collection method: clinical testing. Allele origin: germline.
Comment: This sequence change falls in intron 24 of the ALG13 gene. It does not directly change the encoded amino acid sequence of the ALG13 protein. It affects a nucleotide within the consensus splice site. The frequency data for this variant in the population databases is considered unreliable, as metrics indicate poor data quality at this position in the gnomAD database. This variant has not been reported in the literature in individuals affected with ALG13-related conditions. Variants that disrupt the consensus splice site are a relatively common cause of aberrant splicing (PMID: 17576681, 9536098). Algorithms developed to predict the effect of sequence changes on RNA splicing suggest that this variant is not likely to affect RNA splicing. In summary, the available evidence is currently insufficient to determine the role of this variant in disease. Therefore, it has been classified as a Variant of Uncertain Significance.

Literature cited by the submitters: PubMed 17576681 (cited by Labcorp Genetics (formerly Invitae), Labcorp); PubMed 9536098 (cited by Labcorp Genetics (formerly Invitae), Labcorp).

NM_001099922.3(ALG13):c.2932+6T>C

Gene: ALG13 (ALG13 UDP-N-acetylglucosaminyltransferase subunit; plus strand). Cytogenetic location: Xq23.
Variant type: single nucleotide variant.
Coding change: c.2932+6T>C on transcript NM_001099922.3 (MANE Select); 6 bases into the intron after coding-DNA position 2932, T replaced by C.
Molecular consequence: intron variant.
Genome position (GRCh38, 1-based): chrX:111,744,910, T>C. VCF-style: chrX-111744910-T-C. GRCh37 (hg19) VCF-style: chrX-110988138-T-C.
Other names: c.2384-7880T>C (NM_001257237.2, NM_001257234.2, NM_001257230.2); c.2210-7880T>C (NM_001324293.1); c.2698+6T>C (NM_001257231.2); c.2696-7880T>C (NM_001324292.2).
Identifiers: ClinVar variation 4525750 (VCV004525750.2).